The following is an entry in ClinVar:

NM_002506.3(NGF):c.222_223delinsAG (p.Arg75Gly)

Genes: NGF (nerve growth factor; minus strand), NGF-AS1 (NGF antisense RNA 1; plus strand). Cytogenetic location: 1p13.2.
Variant type: Indel.
Coding change: c.222_223delinsAG on transcript NM_002506.3 (MANE Select); coding-DNA positions 222 to 223, CA replaced by AG.
Protein change: p.Arg75Gly; replaces arginine 75 with glycine.
Molecular consequence: missense variant.
Genome position (GRCh38, 1-based): chr1:115,286,573-115,286,574, TG replaced by CT on the plus strand (CA replaced by AG on the coding strand, the reverse complement: NGF is on the minus strand). VCF-style: chr1-115286573-TG-CT. GRCh37 (hg19) VCF-style: chr1-115829194-TG-CT.
Other names: short protein forms R75G.
Identifiers: ClinVar variation 1472973 (VCV001472973.6), dbSNP rs2101019157, ClinGen allele CA2573130971.

ClinVar aggregate classification (germline): Uncertain significance (1 of 4 stars; one submission).

Conditions:
Congenital sensory neuropathy with selective loss of small myelinated fibers (HSAN5). Also called: HSAN Type V. Identifiers: Orphanet 64752, MedGen C0020075, MONDO:0012092, OMIM 608654.

Submission:

Labcorp Genetics (formerly Invitae), Labcorp
Classification: Uncertain significance for Congenital sensory neuropathy with selective loss of small myelinated fibers. Last evaluated: 2020-11-29. Review status: criteria provided, single submitter. Criteria: Invitae Variant Classification Sherloc (09022015). Collection method: clinical testing. Allele origin: germline.
Comment: Experimental studies and prediction algorithms are not available or were not evaluated, and the functional significance of this variant is currently unknown. In summary, the available evidence is currently insufficient to determine the role of this variant in disease. Therefore, it has been classified as a Variant of Uncertain Significance. Algorithms developed to predict the effect of sequence changes on RNA splicing suggest that this variant may create or strengthen a splice site, but this prediction has not been confirmed by published transcriptional studies. This variant has not been reported in the literature in individuals with NGF-related conditions. The frequency data for this variant in the population databases is not available, as this variant may be reported as separate entries in the ExAC database. This sequence change replaces arginine with glycine at codon 75 of the NGF protein (p.Arg75Gly). The arginine residue is weakly conserved and there is a moderate physicochemical difference between arginine and glycine.